The following is an entry in ClinVar:

ClinVar aggregate classification (germline): Conflicting classifications of pathogenicity. Review status: criteria provided, conflicting classifications (1 of 4 stars). 2 submissions from 2 submitters: Uncertain significance (1); Likely benign (1). Last evaluated 2023-10-16.

Conditions:
Inborn genetic diseases. Identifiers: MedGen C0950123, MeSH D030342.

gnomAD v4.1: 25 of 1,613,236 alleles (0.0015%); highest among the groups gnomAD compares: Non-Finnish European, 0.002%; no homozygotes.

Submissions (2):

Labcorp Genetics (formerly Invitae), Labcorp
Classification: Uncertain significance. Last evaluated: 2023-10-16. Review status: criteria provided, single submitter. Criteria: Invitae Variant Classification Sherloc (09022015). Collection method: clinical testing. Allele origin: germline.
Comment: This sequence change replaces valine, which is neutral and non-polar, with leucine, which is neutral and non-polar, at codon 1883 of the CACNA1E protein (p.Val1883Leu). This variant is present in population databases (no rsID available, gnomAD 0.002%). This variant has not been reported in the literature in individuals affected with CACNA1E-related conditions. ClinVar contains an entry for this variant (Variation ID: 2335976). Advanced modeling of protein sequence and biophysical properties (such as structural, functional, and spatial information, amino acid conservation, physicochemical variation, residue mobility, and thermodynamic stability) performed at Invitae indicates that this missense variant is not expected to disrupt CACNA1E protein function. In summary, the available evidence is currently insufficient to determine the role of this variant in disease. Therefore, it has been classified as a Variant of Uncertain Significance.

Ambry Genetics
Classification: Likely benign for Inborn genetic diseases. Last evaluated: 2022-12-16. Review status: criteria provided, single submitter. Criteria: Ambry Variant Classification Scheme 2023. Collection method: clinical testing. Allele origin: germline.

NM_001205293.3(CACNA1E):c.5647G>C (p.Val1883Leu)

Gene: CACNA1E (calcium voltage-gated channel subunit alpha1 E; plus strand). Cytogenetic location: 1q25.3.
Variant type: single nucleotide variant.
Coding change: c.5647G>C on transcript NM_001205293.3 (MANE Select); coding-DNA position 5647, G replaced by C.
Protein change: p.Val1883Leu; replaces valine 1883 with leucine.
Molecular consequence: missense variant.
Genome position (GRCh38, 1-based): chr1:181,785,386, G>C. VCF-style: chr1-181785386-G-C. GRCh37 (hg19) VCF-style: chr1-181754522-G-C.
Other names: c.5647G>C, p.Val1883Leu (NM_000721.4); c.5590G>C, p.Val1864Leu (NM_001205294.2); short protein forms V1883L, V1864L.
Identifiers: ClinVar variation 2335976 (VCV002335976.5), dbSNP rs557456591, ClinGen allele CA343631541.